The following is an entry in ClinVar:

NM_015693.4(INTU):c.32C>G (p.Pro11Arg)

Gene: INTU (inturned planar cell polarity protein; plus strand). Cytogenetic location: 4q28.1.
Variant type: single nucleotide variant.
Coding change: c.32C>G on transcript NM_015693.4 (MANE Select); coding-DNA position 32, C replaced by G.
Protein change: p.Pro11Arg; replaces proline 11 with arginine.
Molecular consequence: missense variant.
Genome position (GRCh38, 1-based): chr4:127,633,066, C>G. VCF-style: chr4-127633066-C-G. GRCh37 (hg19) VCF-style: chr4-128554221-C-G.
Other names: short protein forms P11R.
Identifiers: ClinVar variation 2177687 (VCV002177687.4), dbSNP rs779552691, ClinGen allele CA3074692.

ClinVar aggregate classification (germline): Uncertain significance (1 of 4 stars; one submission).

Allele frequency attached by ClinVar (database versions not stated): ExAC 0.00001; gnomAD 0.00001; TOPMed 0.00001; gnomAD exomes 0.00002.
gnomAD v4.1: 12 of 1,613,664 alleles (0.00074%); highest among the groups gnomAD compares: Admixed American, 0.02%; no homozygotes.

Submission:

Labcorp Genetics (formerly Invitae), Labcorp
Classification: Uncertain significance. Last evaluated: 2022-07-17. Review status: criteria provided, single submitter. Criteria: Invitae Variant Classification Sherloc (09022015). Collection method: clinical testing. Allele origin: germline.
Comment: This sequence change replaces proline, which is neutral and non-polar, with arginine, which is basic and polar, at codon 11 of the INTU protein (p.Pro11Arg). This variant is present in population databases (rs779552691, gnomAD 0.02%). This variant has not been reported in the literature in individuals affected with INTU-related conditions. Algorithms developed to predict the effect of missense changes on protein structure and function output the following: SIFT: "Tolerated"; PolyPhen-2: "Benign"; Align-GVGD: "Class C0". The arginine amino acid residue is found in multiple mammalian species, which suggests that this missense change does not adversely affect protein function. In summary, the available evidence is currently insufficient to determine the role of this variant in disease. Therefore, it has been classified as a Variant of Uncertain Significance.